The following is an entry in ClinVar:

NM_007175.8(ERLIN2):c.975T>C (p.Phe325=)

Gene: ERLIN2 (ER lipid raft associated 2; plus strand). Cytogenetic location: 8p11.23.
Variant type: single nucleotide variant.
Coding change: c.975T>C on transcript NM_007175.8 (MANE Select); coding-DNA position 975, T replaced by C.
Protein change: p.Phe325=; no amino-acid change (phenylalanine 325 retained).
Molecular consequence: synonymous variant.
Genome position (GRCh38, 1-based): chr8:37,754,070, T>C. VCF-style: chr8-37754070-T-C. GRCh37 (hg19) VCF-style: chr8-37611588-T-C.
Other names: c.975T>C, p.Phe325= (NM_001362878.2).
Identifiers: ClinVar variation 3341770 (VCV003341770.16).

ClinVar aggregate classification (germline): Likely benign (1 of 4 stars; one submission).

Submission:

CeGaT Center for Human Genetics Tuebingen
Classification: Likely benign. Last evaluated: 2024-08-01. Review status: criteria provided, single submitter. Criteria: CeGaT Center For Human Genetics Tuebingen Variant Classification Criteria Version 2. Collection method: clinical testing. Allele origin: germline. Affected: yes. Observed: 1 variant allele.
Comment: ERLIN2: PM2:Supporting, BP4, BP7